The following is an entry in ClinVar:

NM_001385012.1(NBEA):c.648A>T (p.Leu216Phe)

Gene: NBEA (neurobeachin; plus strand). Cytogenetic location: 13q13.3.
Variant type: single nucleotide variant.
Coding change: c.648A>T on transcript NM_001385012.1 (MANE Select); coding-DNA position 648, A replaced by T.
Protein change: p.Leu216Phe; replaces leucine 216 with phenylalanine.
Molecular consequence: missense variant.
Genome position (GRCh38, 1-based): chr13:35,045,326, A>T. VCF-style: chr13-35045326-A-T. GRCh37 (hg19) VCF-style: chr13-35619463-A-T.
Other names: c.648A>T, p.Leu216Phe (NM_001379245.1, NM_015678.5); short protein forms L216F.
Identifiers: ClinVar variation 2634099 (VCV002634099.1), dbSNP rs2502249533, ClinGen allele CA387959439.
Genomic context (GRCh38, chr13:35,045,326, plus strand): 5'-ATTTGTACAATGACATTTCTTTCTTTTATTGTTTCCCCAGCCAAGACATGCAGTAAAATT[A>T]TTATCAGTTCTTAATCAGATGCCACAGAGACACGGTCCTGATACTTTTTTCAATTTCCCT-3'
Protein context (NP_001371941.1, residues 206-226): SGIWPRHAVK[Leu216Phe]LSVLNQMPQR

ClinVar aggregate classification (germline): Uncertain significance (1 of 4 stars; one submission).

Conditions:
NBEA-related disorder. Also called: NBEA-related condition.

gnomAD v4.1: 3 of 1,609,888 alleles (0.00019%); highest among the groups gnomAD compares: African/African-American, 0.0027%; no homozygotes.

Submission:

PreventionGenetics, part of Exact Sciences
Classification: Uncertain significance for NBEA-related condition. Last evaluated: 2023-04-18. Review status: criteria provided, single submitter. Criteria: ACMG Guidelines, 2015. Collection method: clinical testing. Allele origin: germline.
Comment: The NBEA c.648A>T variant is predicted to result in the amino acid substitution p.Leu216Phe. To our knowledge, this variant has not been reported in the literature or in a large population database, indicating this variant is rare. At this time, the clinical significance of this variant is uncertain due to the absence of conclusive functional and genetic evidence.